The following is an entry in ClinVar:

NM_000548.5(TSC2):c.1101G>C (p.Arg367=)

Gene: TSC2 (TSC complex subunit 2; plus strand). Cytogenetic location: 16p13.3.
Variant type: single nucleotide variant.
Coding change: c.1101G>C on transcript NM_000548.5 (MANE Select); coding-DNA position 1101, G replaced by C.
Protein change: p.Arg367=; no amino-acid change (arginine 367 retained).
Molecular consequence: synonymous variant.
Genome position (GRCh38, 1-based): chr16:2,060,795, G>C. VCF-style: chr16-2060795-G-C. GRCh37 (hg19) VCF-style: chr16-2110796-G-C.
Other names: c.1101G>C, p.Arg367= (NM_001114382.3, NM_001363528.2, NM_001370404.1 and 3 more transcripts); c.990G>C, p.Arg330= (NM_001318827.2); c.954G>C, p.Arg318= (NM_001318829.2); c.501G>C, p.Arg167= (NM_001318831.2); c.1134G>C, p.Arg378= (NM_001318832.2).
Identifiers: ClinVar variation 467843 (VCV000467843.20), dbSNP rs45517149, ClinGen allele CA492961117.

ClinVar aggregate classification (germline): Benign/Likely benign. Review status: criteria provided, multiple submitters, no conflicts (2 of 4 stars). 7 submissions from 7 submitters: Benign (2); Likely benign (5). Last evaluated 2025-09-24.

Conditions:
Tuberous sclerosis syndrome (TSC). Also called: Tuberous Sclerosis Complex; Tuberous sclerosis. Identifiers: Orphanet 805, MedGen C0041341, MONDO:0001734.
Tuberous sclerosis 2 (TSC2). Identifiers: Orphanet 805, MedGen C1860707, MONDO:0013199, OMIM 613254.
Hereditary cancer-predisposing syndrome. Also called: Hereditary neoplastic syndrome; Neoplastic Syndromes, Hereditary; Tumor predisposition; Hereditary Cancer Syndrome. Identifiers: Orphanet 140162, MedGen C0027672, MeSH D009386, MONDO:0015356.

Allele frequency attached by ClinVar (database versions not stated): gnomAD exomes below 0.00001; TOPMed 0.00001.
gnomAD v4.1: 1 of 1,613,674 alleles (0.000062%); highest among the groups gnomAD compares: Non-Finnish European, 0.000085%; no homozygotes.

Submissions (7):

Labcorp Genetics (formerly Invitae), Labcorp
Classification: Likely benign for Tuberous sclerosis 2. Last evaluated: 2025-09-24. Review status: criteria provided, single submitter. Criteria: Invitae Variant Classification Sherloc (09022015). Collection method: clinical testing. Allele origin: germline.

Myriad Genetics, Inc.
Classification: Benign for Tuberous sclerosis 2. Last evaluated: 2025-05-13. Review status: criteria provided, single submitter. Criteria: Myriad Autosomal Dominant, Autosomal Recessive and X-Linked Classification Criteria (2023). Collection method: clinical testing. Allele origin: unknown.
Comment: This variant is considered benign. This variant is a silent/synonymous amino acid change and it is not expected to impact splicing.

All of Us Research Program, National Institutes of Health
Classification: Likely benign for Tuberous sclerosis syndrome. Last evaluated: 2023-12-13. Review status: criteria provided, single submitter. Criteria: ACMG Guidelines, 2015. Collection method: clinical testing. Allele origin: germline. Inheritance: Autosomal dominant inheritance. Observed: 8 variant alleles, 8 heterozygotes.
Comment: This study involves interpretation of variants in research participants for the purpose of population health screening. Participant phenotype was not available at the time of variant classification. Additional details can be found in publication PMID: 35346344, PMCID: PMC8962531

Color Diagnostics, LLC DBA Color Health
Classification: Likely benign for Tuberous sclerosis syndrome. Last evaluated: 2022-09-16. Review status: criteria provided, single submitter. Criteria: ACMG Guidelines, 2015. Collection method: clinical testing. Allele origin: germline.

Genome-Nilou Lab
Classification: Benign for Tuberous sclerosis 2. Last evaluated: 2021-11-07. Review status: criteria provided, single submitter. Criteria: ACMG Guidelines, 2015. Collection method: clinical testing. Allele origin: germline. Affected: no.

GeneDx
Classification: Likely benign. Last evaluated: 2018-05-16. Review status: criteria provided, single submitter. Criteria: GeneDx Variant Classification (06012015). Collection method: clinical testing. Allele origin: germline. Affected: yes.
Comment: This variant is considered likely benign or benign based on one or more of the following criteria: it is a conservative change, it occurs at a poorly conserved position in the protein, it is predicted to be benign by multiple in silico algorithms, and/or has population frequency not consistent with disease.

Ambry Genetics
Classification: Likely benign for Hereditary cancer-predisposing syndrome. Last evaluated: 2015-11-08. Review status: criteria provided, single submitter. Criteria: Ambry Variant Classification Scheme 2023. Collection method: clinical testing. Allele origin: germline.